The following is an entry in ClinVar:

NM_001710.6(CFB):c.1862A>G (p.Glu621Gly)

Gene: CFB (complement factor B; plus strand). Cytogenetic location: 6p21.33.
Variant type: single nucleotide variant.
Coding change: c.1862A>G on transcript NM_001710.6 (MANE Select); coding-DNA position 1862, A replaced by G.
Protein change: p.Glu621Gly; replaces glutamic acid 621 with glycine.
Molecular consequence: missense variant.
Genome position (GRCh38, 1-based): chr6:31,951,150, A>G. VCF-style: chr6-31951150-A-G. GRCh37 (hg19) VCF-style: chr6-31918927-A-G.
Other names: p.Glu621Gly; short protein forms E621G.
Identifiers: ClinVar variation 1513767 (VCV001513767.11), dbSNP rs2151787793, ClinGen allele CA363410509.

ClinVar aggregate classification (germline): Uncertain significance. Review status: criteria provided, multiple submitters, no conflicts (2 of 4 stars). 2 submissions from 2 submitters: Uncertain significance (2). Last evaluated 2022-08-15.

Submissions (2):

Labcorp Genetics (formerly Invitae), Labcorp
Classification: Uncertain significance. Last evaluated: 2022-08-15. Review status: criteria provided, single submitter. Criteria: Invitae Variant Classification Sherloc (09022015). Collection method: clinical testing. Allele origin: germline.
Comment: This sequence change replaces glutamic acid, which is acidic and polar, with glycine, which is neutral and non-polar, at codon 621 of the CFB protein (p.Glu621Gly). In summary, the available evidence is currently insufficient to determine the role of this variant in disease. Therefore, it has been classified as a Variant of Uncertain Significance. Algorithms developed to predict the effect of missense changes on protein structure and function are either unavailable or do not agree on the potential impact of this missense change (SIFT: "Tolerated"; PolyPhen-2: "Possibly Damaging"; Align-GVGD: "Class C0"). ClinVar contains an entry for this variant (Variation ID: 1513767). This variant has not been reported in the literature in individuals affected with CFB-related conditions. This variant is not present in population databases (gnomAD no frequency).

Mayo Clinic Laboratories, Mayo Clinic
Classification: Uncertain significance. Last evaluated: 2021-05-25. Review status: criteria provided, single submitter. Criteria: ACMG Guidelines, 2015. Collection method: clinical testing. Allele origin: germline.